The following is an entry in ClinVar:

ClinVar aggregate classification (germline): Uncertain significance (1 of 4 stars; one submission).

Submission:

GeneDx
Classification: Uncertain significance. Last evaluated: 2026-03-20. Review status: criteria provided, single submitter. Criteria: GeneDx Variant Classification Process June 2021. Collection method: clinical testing. Allele origin: germline.
Comment: Not observed at significant frequency in large population cohorts (gnomAD); In silico analysis supports that this missense variant has a deleterious effect on protein structure/function; Has not been previously published as pathogenic or benign to our knowledge; This variant is associated with the following publications: (PMID: 15235019, 18823382, 22992590)

NM_005359.6(SMAD4):c.281T>A (p.Ile94Asn)

Gene: SMAD4 (SMAD family member 4; plus strand). Cytogenetic location: 18q21.2.
Variant type: single nucleotide variant.
Coding change: c.281T>A on transcript NM_005359.6 (MANE Select); coding-DNA position 281, T replaced by A.
Protein change: p.Ile94Asn; replaces isoleucine 94 with asparagine.
Molecular consequence: missense variant. On other transcripts: non-coding transcript variant (2).
Genome position (GRCh38, 1-based): chr18:51,048,717, T>A. VCF-style: chr18-51048717-T-A. GRCh37 (hg19) VCF-style: chr18-48575087-T-A.
Other names: c.281T>A, p.Ile94Asn (NM_001407041.1, NM_001407042.1, NM_001407043.1); short protein forms I94N.
Identifiers: ClinVar variation 5009413 (VCV005009413.1).